The following is an entry in ClinVar:

ClinVar aggregate classification (germline): Pathogenic. Review status: criteria provided, multiple submitters, no conflicts (2 of 4 stars). 3 submissions from 3 submitters: Pathogenic (3). Last evaluated 2022-05-27.

Conditions:
Telangiectasia, hereditary hemorrhagic, type 1 (HHT1). Also called: Osler Weber Rendu syndrome type 1; ENG-Related Hereditary Hemorrhagic Telangiectasia. Identifiers: Orphanet 774, MedGen C4551861, MONDO:0008535, OMIM 187300. Disease mechanism: loss of function.
Hereditary hemorrhagic telangiectasia (HHT). Also called: Osler hemorrhagic telangiectasia syndrome; ORW DISEASE; Osler Weber Rendu syndrome; OSLER-RENDU-WEBER DISEASE. Identifiers: Orphanet 774, MedGen C0039445, MONDO:0019180. Disease mechanism: loss of function.
Cardiovascular phenotype. Identifiers: MedGen CN230736.

Allele frequency attached by ClinVar (database versions not stated): gnomAD exomes below 0.00001.
gnomAD v4.1: 1 of 1,612,528 alleles (0.000062%); highest among the groups gnomAD compares: Non-Finnish European, 0.000085%; no homozygotes.

Submissions (3):

Labcorp Genetics (formerly Invitae), Labcorp
Classification: Pathogenic for Hereditary hemorrhagic telangiectasia. Last evaluated: 2022-05-27. Review status: criteria provided, single submitter. Criteria: Invitae Variant Classification Sherloc (09022015). Collection method: clinical testing. Allele origin: germline.
Comment: This sequence change affects an acceptor splice site in intron 6 of the ENG gene. It is expected to disrupt RNA splicing. Variants that disrupt the donor or acceptor splice site typically lead to a loss of protein function (PMID: 16199547), and loss-of-function variants in ENG are known to be pathogenic (PMID: 15879500). This variant is not present in population databases (gnomAD no frequency). Disruption of this splice site has been observed in individuals with hereditary hemorrhagic telangiectasia (HHT) (PMID: 20824275, 24001356, 25970827; Invitae). ClinVar contains an entry for this variant (Variation ID: 573259). Algorithms developed to predict the effect of sequence changes on RNA splicing suggest that this variant may disrupt the consensus splice site. For these reasons, this variant has been classified as Pathogenic.

Ambry Genetics
Classification: Pathogenic for Cardiovascular phenotype. Last evaluated: 2021-03-16. Review status: criteria provided, single submitter. Criteria: Ambry Variant Classification Scheme 2023. Collection method: clinical testing. Allele origin: germline.
Comment: The c.817-1G>C intronic pathogenic mutation results from a G to C substitution one nucleotide upstream from coding exon 7 of the ENG gene. This mutation has been detected in an individual with hereditary hemorrhagic telangiectasia (T&oslash;rring PM et al. Clin Genet, 2014 Aug;86:123-33). In silico splice site analysis predicts that this alteration will weaken the native splice acceptor site and will result in the creation or strengthening of a novel splice acceptor site. In addition to the clinical data presented in the literature, alterations that disrupt the canonical splice site are expected to cause aberrant splicing, resulting in an abnormal protein or a transcript that is subject to nonsense-mediated mRNA decay. As such, this alteration is classified as a disease-causing mutation.

ARUP Laboratories, Molecular Genetics and Genomics, ARUP Laboratories
Classification: Pathogenic for Telangiectasia, hereditary hemorrhagic, type 1. Last evaluated: 2019-07-23. Review status: criteria provided, single submitter. Criteria: ARUP Molecular Germline Variant Investigation Process. Collection method: clinical testing. Allele origin: germline.
Comment: The ENG c.817-1G>C variant is reported in the literature in an individual affected with hereditary hemorrhagic telangiectasia (HHT) (Torring 2014). This variant is absent from general population databases (Exome Variant Server, Genome Aggregation Database), indicating it is not a common polymorphism. This variant abolishes the canonical splice acceptor site of intron 6, which is likely to disrupt gene function. Additionally, another variant at the same nucleotide (c.817-1G>T) has been described in individuals with HHT, supporting the notion that this position is intolerant of variation (Fodstad 2011, Heimdal 2016). Based on available information, the c.817-1G>C variant is considered to be pathogenic. References: Fodstad P et al. Anti-VEGF with 3-week intervals is effective on anemia in a patient with severe hereditary hemorrhagic telangiectasia. Ann Hematol. 2011 May;90(5):611-2. Heimdal K et al. Mutation analysis in Norwegian families with hereditary hemorrhagic telangiectasia: founder mutations in ACVRL1. Clin Genet. 2016 Feb;89(2):182-6. Torring PM et al. National mutation study among Danish patients with hereditary haemorrhagic telangiectasia. Clin Genet. 2014 Aug;86(2):123-33.

Literature cited by the submitters: PubMed 16199547 (cited by Labcorp Genetics (formerly Invitae), Labcorp); PubMed 15879500 (cited by Labcorp Genetics (formerly Invitae), Labcorp); PubMed 20824275 (cited by Labcorp Genetics (formerly Invitae), Labcorp); PubMed 24001356 (cited by Labcorp Genetics (formerly Invitae), Labcorp and Ambry Genetics); PubMed 25970827 (cited by Labcorp Genetics (formerly Invitae), Labcorp).

NM_001114753.3(ENG):c.817-1G>C

Gene: ENG (endoglin; minus strand). Cytogenetic location: 9q34.11.
Variant type: single nucleotide variant.
Coding change: c.817-1G>C on transcript NM_001114753.3 (MANE Select); the canonical splice acceptor site of the intron before coding-DNA position 817, G replaced by C.
Molecular consequence: splice acceptor variant.
Genome position (GRCh38, 1-based): chr9:127,824,975, C>G on the plus strand (G>C on the coding strand, the complement: ENG is on the minus strand). VCF-style: chr9-127824975-C-G. GRCh37 (hg19) VCF-style: chr9-130587254-C-G.
Other names: c.817-1G>C (NM_001114753.1, NM_000118.4, NM_001406715.1); c.271-1G>C (NM_001278138.2).
Identifiers: ClinVar variation 573259 (VCV000573259.20), dbSNP rs1564455715, ClinGen allele CA374982901.